The following is an entry in ClinVar:

NM_001035.3(RYR2):c.10837A>T (p.Arg3613Trp)

Gene: RYR2 (ryanodine receptor 2; plus strand). Cytogenetic location: 1q43.
Variant type: single nucleotide variant.
Coding change: c.10837A>T on transcript NM_001035.3 (MANE Select); coding-DNA position 10837, A replaced by T.
Protein change: p.Arg3613Trp; replaces arginine 3613 with tryptophan.
Molecular consequence: missense variant.
Genome position (GRCh38, 1-based): chr1:237,727,198, A>T. VCF-style: chr1-237727198-A-T. GRCh37 (hg19) VCF-style: chr1-237890498-A-T.
Other names: short protein forms R3613W.
Identifiers: ClinVar variation 4714026 (VCV004714026.1).

ClinVar aggregate classification (germline): Uncertain significance (1 of 4 stars; one submission).

Conditions:
Catecholaminergic polymorphic ventricular tachycardia 1. Also called: RYR2-Related Catecholaminergic Polymorphic Ventricular Tachycardia; VENTRICULAR TACHYCARDIA, CATECHOLAMINERGIC POLYMORPHIC, 1, WITH OR WITHOUT ATRIAL DYSFUNCTION AND/OR DILATED CARDIOMYOPATHY; VENTRICULAR TACHYCARDIA, STRESS-INDUCED POLYMORPHIC 1. Identifiers: Orphanet 3286, MedGen C1631597, MONDO:0011484, OMIM 604772.

Submission:

Labcorp Genetics (formerly Invitae), Labcorp
Classification: Uncertain significance for Catecholaminergic polymorphic ventricular tachycardia 1. Last evaluated: 2025-02-27. Review status: criteria provided, single submitter. Criteria: Invitae Variant Classification Sherloc (09022015). Collection method: clinical testing. Allele origin: germline.
Comment: This sequence change replaces arginine, which is basic and polar, with tryptophan, which is neutral and slightly polar, at codon 3613 of the RYR2 protein (p.Arg3613Trp). This variant is not present in population databases (gnomAD no frequency). This variant has not been reported in the literature in individuals affected with RYR2-related conditions. An algorithm developed to predict the effect of missense changes on protein structure and function (PolyPhen-2) suggests that this variant is likely to be disruptive. Algorithms developed to predict the effect of sequence changes on RNA splicing suggest that this variant may disrupt the consensus splice site. In summary, the available evidence is currently insufficient to determine the role of this variant in disease. Therefore, it has been classified as a Variant of Uncertain Significance.